The following is an entry in ClinVar:

NM_000293.3(PHKB):c.3175C>T (p.Pro1059Ser)

Gene: PHKB (phosphorylase kinase regulatory subunit beta; plus strand). Cytogenetic location: 16q12.1.
Variant type: single nucleotide variant.
Coding change: c.3175C>T on transcript NM_000293.3 (MANE Select); coding-DNA position 3175, C replaced by T.
Protein change: p.Pro1059Ser; replaces proline 1059 with serine.
Molecular consequence: missense variant.
Genome position (GRCh38, 1-based): chr16:47,699,259, C>T. VCF-style: chr16-47699259-C-T. GRCh37 (hg19) VCF-style: chr16-47733170-C-T.
Other names: c.3154C>T, p.Pro1052Ser (NM_001031835.3); c.3175C>T, p.Pro1059Ser (NM_001363837.1); c.3175C>T (NM_000293.2); short protein forms P1052S, P1059S.
Identifiers: ClinVar variation 1003568 (VCV001003568.7), dbSNP rs746809041, ClinGen allele CA8041481.

ClinVar aggregate classification (germline): Uncertain significance. Review status: criteria provided, multiple submitters, no conflicts (2 of 4 stars). 3 submissions from 3 submitters: Uncertain significance (3). Last evaluated 2024-02-21.

Conditions:
Inborn genetic diseases. Identifiers: MedGen C0950123, MeSH D030342.
Glycogen storage disease IXb (GSD9B). Also called: GLYCOGENOSIS OF LIVER AND MUSCLE, AUTOSOMAL RECESSIVE; GSD IXb; PHOSPHORYLASE KINASE DEFICIENCY OF LIVER AND MUSCLE, AUTOSOMAL RECESSIVE. Identifiers: Orphanet 79240, MedGen C0543514, MONDO:0009868, OMIM 261750.

Allele frequency attached by ClinVar (database versions not stated): gnomAD 0.00004; TOPMed 0.00005; ExAC 0.00012.
gnomAD v4.1: 27 of 1,613,932 alleles (0.0017%); highest among the groups gnomAD compares: East Asian, 0.056%; no homozygotes.

Submissions (3):

Ambry Genetics
Classification: Uncertain significance for Inborn genetic diseases. Last evaluated: 2024-02-21. Review status: criteria provided, single submitter. Criteria: Ambry Variant Classification Scheme 2023. Collection method: clinical testing. Allele origin: germline.

Labcorp Genetics (formerly Invitae), Labcorp
Classification: Uncertain significance for Glycogen storage disease IXb. Last evaluated: 2022-05-07. Review status: criteria provided, single submitter. Criteria: Invitae Variant Classification Sherloc (09022015). Collection method: clinical testing. Allele origin: germline.
Comment: This sequence change replaces proline, which is neutral and non-polar, with serine, which is neutral and polar, at codon 1059 of the PHKB protein (p.Pro1059Ser). This variant is present in population databases (rs746809041, gnomAD 0.1%). This variant has not been reported in the literature in individuals affected with PHKB-related conditions. ClinVar contains an entry for this variant (Variation ID: 1003568). Algorithms developed to predict the effect of missense changes on protein structure and function (SIFT, PolyPhen-2, Align-GVGD) all suggest that this variant is likely to be tolerated. In summary, the available evidence is currently insufficient to determine the role of this variant in disease. Therefore, it has been classified as a Variant of Uncertain Significance.

Breakthrough Genomics
Classification: Uncertain significance. Review status: criteria provided, single submitter. Criteria: ACMG Guidelines, 2015. Collection method: not provided. Allele origin: germline. Inheritance: Autosomal recessive inheritance. Affected: yes.